The following is an entry in ClinVar:

ClinVar aggregate classification (germline): Uncertain significance. Review status: criteria provided, multiple submitters, no conflicts (2 of 4 stars). 4 submissions from 4 submitters: Uncertain significance (2). 2 of the submissions do not count toward it. Last evaluated 2024-05-26.

Conditions:
CEP290-related disorder. Also called: CEP290-related condition; CEP290-related disorders. Identifiers: MedGen CN239314.
Joubert syndrome. Also called: Familial aplasia of the vermis; CEREBELLOPARENCHYMAL DISORDER IV; JOUBERT-BOLTSHAUSER SYNDROME. Identifiers: Orphanet 475, MedGen C5979921, MONDO:0018772.
Meckel-Gruber syndrome. Also called: Dysencephalia splachnocystica; DYSENCEPHALIA SPLANCHNOCYSTICA; GRUBER SYNDROME. Identifiers: Orphanet 564, MedGen C0265215, MONDO:0018921.
Nephronophthisis. Also called: Juvenile Nephronophthisis. Identifiers: Orphanet 655, MedGen C0687120, MONDO:0019005, HP:0000090.
Inborn genetic diseases. Identifiers: MedGen C0950123, MeSH D030342.
Leber congenital amaurosis (LCA). Also called: Leber's amaurosis. Identifiers: Orphanet 65, MedGen C0339527, MeSH D057130, MONDO:0018998.

Allele frequency attached by ClinVar (database versions not stated): gnomAD exomes below 0.00001; TOPMed 0.00003.
gnomAD v4.1: 5 of 1,572,054 alleles (0.00032%); highest among the groups gnomAD compares: Admixed American, 0.0076%; no homozygotes.

Submissions (4):

Ambry Genetics
Classification: Uncertain significance for Inborn genetic diseases. Last evaluated: 2024-05-26. Review status: criteria provided, single submitter. Criteria: Ambry Variant Classification Scheme 2023. Collection method: clinical testing. Allele origin: germline.

Labcorp Genetics (formerly Invitae), Labcorp
Classification: Uncertain significance for Joubert syndrome; Meckel-Gruber syndrome; Nephronophthisis. Last evaluated: 2021-08-26. Review status: criteria provided, single submitter. Criteria: Invitae Variant Classification Sherloc (09022015). Collection method: clinical testing. Allele origin: germline.
Comment: This sequence change replaces glutamine with arginine at codon 2298 of the CEP290 protein (p.Gln2298Arg). The glutamine residue is weakly conserved and there is a small physicochemical difference between glutamine and arginine. This variant is not present in population databases (ExAC no frequency). This variant has not been reported in the literature in individuals affected with CEP290-related conditions. Algorithms developed to predict the effect of missense changes on protein structure and function (SIFT, PolyPhen-2, Align-GVGD) all suggest that this variant is likely to be tolerated. In summary, the available evidence is currently insufficient to determine the role of this variant in disease. Therefore, it has been classified as a Variant of Uncertain Significance.

PreventionGenetics, part of Exact Sciences
Classification: Uncertain significance for CEP290-related condition. Last evaluated: 2024-09-19. Review status: no assertion criteria provided. Collection method: clinical testing. Allele origin: germline. Not counted in ClinVar's aggregate classification.
Comment: The CEP290 c.6893A>G variant is predicted to result in the amino acid substitution p.Gln2298Arg. To our knowledge, this variant has not been reported in the literature or in a large population database, indicating this variant is rare. At this time, the clinical significance of this variant is uncertain due to the absence of conclusive functional and genetic evidence.

Natera, Inc.
Classification: Uncertain significance for Leber congenital amaurosis. Last evaluated: 2021-01-10. Review status: no assertion criteria provided. Collection method: clinical testing. Allele origin: germline. Not counted in ClinVar's aggregate classification.

NM_025114.4(CEP290):c.6893A>G (p.Gln2298Arg)

Gene: CEP290 (centrosomal protein 290; minus strand). Cytogenetic location: 12q21.32.
Variant type: single nucleotide variant.
Coding change: c.6893A>G on transcript NM_025114.4 (MANE Select); coding-DNA position 6893, A replaced by G.
Protein change: p.Gln2298Arg; replaces glutamine 2298 with arginine.
Molecular consequence: missense variant.
Genome position (GRCh38, 1-based): chr12:88,055,643, T>C on the plus strand (A>G on the coding strand, the complement: CEP290 is on the minus strand). VCF-style: chr12-88055643-T-C. GRCh37 (hg19) VCF-style: chr12-88449420-T-C.
Other names: c.6893A>G (NM_025114.3); short protein forms Q2298R.
Identifiers: ClinVar variation 1039651 (VCV001039651.10), dbSNP rs1337960015, ClinGen allele CA385976373.